The following is an entry in ClinVar:

NM_000038.6(APC):c.1688T>C (p.Leu563Ser)

Gene: APC (APC regulator of Wnt signaling pathway; plus strand). Cytogenetic location: 5q22.2.
Variant type: single nucleotide variant.
Coding change: c.1688T>C on transcript NM_000038.6 (MANE Select); coding-DNA position 1688, T replaced by C.
Protein change: p.Leu563Ser; replaces leucine 563 with serine.
Molecular consequence: missense variant.
Genome position (GRCh38, 1-based): chr5:112,828,917, T>C. VCF-style: chr5-112828917-T-C. GRCh37 (hg19) VCF-style: chr5-112164614-T-C.
Other names: c.1688T>C, p.Leu563Ser (NM_001127510.3, NM_001354895.2); c.1634T>C, p.Leu545Ser (NM_001127511.3); c.1742T>C, p.Leu581Ser (NM_001354896.2); c.1718T>C, p.Leu573Ser (NM_001354897.2); c.1613T>C, p.Leu538Ser (NM_001354898.2); c.1604T>C, p.Leu535Ser (NM_001354899.2); c.1565T>C, p.Leu522Ser (NM_001354900.2); c.1511T>C, p.Leu504Ser (NM_001354901.2); and 5 more; short protein forms L280S, L472S, L563S, L581S, L522S, L573S, L403S, L437S.
Identifiers: ClinVar variation 809781 (VCV000809781.46), dbSNP rs1580574619, ClinGen allele CA16024998.

ClinVar aggregate classification (germline): Uncertain significance. Review status: criteria provided, multiple submitters, no conflicts (2 of 4 stars). 3 submissions from 3 submitters: Uncertain significance (3). Last evaluated 2024-11-24.

Conditions:
Hereditary cancer-predisposing syndrome. Also called: Tumor predisposition; Hereditary neoplastic syndrome; Neoplastic Syndromes, Hereditary; Hereditary Cancer Syndrome. Identifiers: Orphanet 140162, MedGen C0027672, MeSH D009386, MONDO:0015356.
Familial adenomatous polyposis 1 (FAP1). Also called: POLYPOSIS, ADENOMATOUS INTESTINAL; FAMILIAL ADENOMATOUS POLYPOSIS 1, ATTENUATED. Identifiers: MedGen C2713442, MONDO:0021056, OMIM 175100. Disease mechanism: loss of function.

Submissions (3):

Labcorp Genetics (formerly Invitae), Labcorp
Classification: Uncertain significance for Familial adenomatous polyposis 1. Last evaluated: 2024-11-24. Review status: criteria provided, single submitter. Criteria: Invitae Variant Classification Sherloc (09022015). Collection method: clinical testing. Allele origin: germline.
Comment: This sequence change replaces leucine, which is neutral and non-polar, with serine, which is neutral and polar, at codon 563 of the APC protein (p.Leu563Ser). This variant is not present in population databases (gnomAD no frequency). This variant has not been reported in the literature in individuals affected with APC-related conditions. ClinVar contains an entry for this variant (Variation ID: 809781). Invitae Evidence Modeling of protein sequence and biophysical properties (such as structural, functional, and spatial information, amino acid conservation, physicochemical variation, residue mobility, and thermodynamic stability) indicates that this missense variant is not expected to disrupt APC protein function with a negative predictive value of 95%. In summary, the available evidence is currently insufficient to determine the role of this variant in disease. Therefore, it has been classified as a Variant of Uncertain Significance.

Ambry Genetics
Classification: Uncertain significance for Hereditary cancer-predisposing syndrome. Last evaluated: 2022-01-06. Review status: criteria provided, single submitter. Criteria: Ambry Variant Classification Scheme 2023. Collection method: clinical testing. Allele origin: germline.
Comment: The p.L563S variant (also known as c.1688T>C), located in coding exon 13 of the APC gene, results from a T to C substitution at nucleotide position 1688. The leucine at codon 563 is replaced by serine, an amino acid with dissimilar properties. This amino acid position is highly conserved in available vertebrate species. In addition, in silico predictors for this gene do not accurately predict pathogenicity. Since supporting evidence is limited at this time, the clinical significance of this alteration remains unclear.

CeGaT Center for Human Genetics Tuebingen
Classification: Uncertain significance. Last evaluated: 2019-06-01. Review status: criteria provided, single submitter. Criteria: CeGaT Center For Human Genetics Tuebingen Variant Classification Criteria Version 2. Collection method: clinical testing. Allele origin: germline. Affected: yes. Observed: 2 variant alleles.